The following is an entry in ClinVar:

ClinVar aggregate classification (germline): Conflicting classifications of pathogenicity. Review status: criteria provided, conflicting classifications (1 of 4 stars). 2 submissions from 2 submitters: Uncertain significance (1); Likely benign (1). Last evaluated 2025-01-09.

Conditions:
Acute myeloid leukemia (AML). Also called: Leukemia, acute myeloid, somatic; Leukemia, acute myelogenous, somatic; Acute myeloid leukemia, adult; AML adult; Acute non-lymphocytic leukemia; Acute granulocytic leukemia. Identifiers: Orphanet 519, MedGen C0023467, MeSH D015470, MONDO:0018874, OMIM 601626, HP:0004808. Disease mechanism: Constitutively activated FLT3.
Inborn genetic diseases. Identifiers: MedGen C0950123, MeSH D030342.

Allele frequency attached by ClinVar (database versions not stated): TOPMed below 0.00001.

Submissions (2):

Ambry Genetics
Classification: Likely benign for Inborn genetic diseases. Last evaluated: 2025-01-09. Review status: criteria provided, single submitter. Criteria: Ambry Variant Classification Scheme 2023. Collection method: clinical testing. Allele origin: germline.

Labcorp Genetics (formerly Invitae), Labcorp
Classification: Uncertain significance for Acute myeloid leukemia. Last evaluated: 2024-08-08. Review status: criteria provided, single submitter. Criteria: Invitae Variant Classification Sherloc (09022015). Collection method: clinical testing. Allele origin: germline.
Comment: This sequence change replaces valine, which is neutral and non-polar, with methionine, which is neutral and non-polar, at codon 95 of the CEBPA protein (p.Val95Met). This variant is not present in population databases (gnomAD no frequency). This variant has not been reported in the literature in individuals affected with CEBPA-related conditions. ClinVar contains an entry for this variant (Variation ID: 572722). An algorithm developed to predict the effect of missense changes on protein structure and function (PolyPhen-2) suggests that this variant is likely to be tolerated. In summary, the available evidence is currently insufficient to determine the role of this variant in disease. Therefore, it has been classified as a Variant of Uncertain Significance.

NM_004364.5(CEBPA):c.283G>A (p.Val95Met)

Gene: CEBPA (CCAAT enhancer binding protein alpha; minus strand). Cytogenetic location: 19q13.11.
Variant type: single nucleotide variant.
Coding change: c.283G>A on transcript NM_004364.5 (MANE Select); coding-DNA position 283, G replaced by A.
Protein change: p.Val95Met; replaces valine 95 with methionine.
Molecular consequence: missense variant. On other transcripts: 5 prime UTR variant (1).
Genome position (GRCh38, 1-based): chr19:33,302,132, C>T on the plus strand (G>A on the coding strand, the complement: CEBPA is on the minus strand). VCF-style: chr19-33302132-C-T. GRCh37 (hg19) VCF-style: chr19-33793038-C-T.
Other names: c.283G>A (NM_004364.3); c.-75G>A (NM_001285829.2); c.388G>A, p.Val130Met (NM_001287424.2); c.241G>A, p.Val81Met (NM_001287435.2); short protein forms V95M, V130M, V81M.
Identifiers: ClinVar variation 572722 (VCV000572722.10), dbSNP rs1356845856, ClinGen allele CA405275275.